The following is an entry in ClinVar:

ClinVar aggregate classification (germline): Conflicting classifications of pathogenicity. Review status: criteria provided, conflicting classifications (1 of 4 stars). 2 submissions from 2 submitters: Likely pathogenic (1); Uncertain significance (1). Last evaluated 2022-03-28.

Conditions:
Long QT syndrome (LQTS). Identifiers: MedGen C0023976, MeSH D008133, MONDO:0002442. Disease mechanism: loss of function. Inheritance: Various modes of inheritance.

Submissions (2):

Labcorp Genetics (formerly Invitae), Labcorp
Classification: Uncertain significance for Long QT syndrome. Last evaluated: 2022-03-28. Review status: criteria provided, single submitter. Criteria: Invitae Variant Classification Sherloc (09022015). Collection method: clinical testing. Allele origin: germline.
Comment: Algorithms developed to predict the effect of missense changes on protein structure and function (SIFT, PolyPhen-2, Align-GVGD) all suggest that this variant is likely to be disruptive. In summary, the available evidence is currently insufficient to determine the role of this variant in disease. Therefore, it has been classified as a Variant of Uncertain Significance. Algorithms developed to predict the effect of sequence changes on RNA splicing suggest that this variant may create or strengthen a splice site. ClinVar contains an entry for this variant (Variation ID: 389141). This variant has not been reported in the literature in individuals affected with KCNH2-related conditions. This variant is not present in population databases (gnomAD no frequency). This sequence change replaces asparagine, which is neutral and polar, with serine, which is neutral and polar, at codon 658 of the KCNH2 protein (p.Asn658Ser).

GeneDx
Classification: Likely pathogenic. Last evaluated: 2016-12-20. Review status: criteria provided, single submitter. Criteria: GeneDx Variant Classification (06012015). Collection method: clinical testing. Allele origin: germline. Affected: yes.
Comment: The N658S likely pathogenic in the KCNH2 gene has not been published as a pathogenic or benign variant to our knowledge. The N658S variant was not observed in approximately 6,500 individuals of European and African American ancestry in the NHLBI Exome Sequencing Project, indicating it is not a common benign variant in these populations. Although the N658S variant is a conservative amino acid substitution, which may not impact secondary protein structure as these residues share similar properties, this substitution occurs at a position that is conserved across species. Furthermore, in silico analysis predicts this variant is probably damaging to the protein structure/function. However, to our knowledge no studies have been performed to determine the functional effect of the N658S variant.

NM_000238.4(KCNH2):c.1973A>G (p.Asn658Ser)

Gene: KCNH2 (potassium voltage-gated channel subfamily H member 2; minus strand). Cytogenetic location: 7q36.1.
Variant type: single nucleotide variant.
Coding change: c.1973A>G on transcript NM_000238.4 (MANE Select); coding-DNA position 1973, A replaced by G.
Protein change: p.Asn658Ser; replaces asparagine 658 with serine.
Molecular consequence: missense variant.
Genome position (GRCh38, 1-based): chr7:150,951,093, T>C on the plus strand (A>G on the coding strand, the complement: KCNH2 is on the minus strand). VCF-style: chr7-150951093-T-C. GRCh37 (hg19) VCF-style: chr7-150648181-T-C.
Other names: c.953A>G, p.Asn318Ser (NM_001204798.2, NM_172057.3); c.1685A>G, p.Asn562Ser (NM_001406753.1, NM_001406756.1); c.1796A>G, p.Asn599Ser (NM_001406755.1); c.1673A>G, p.Asn558Ser (NM_001406757.1); c.1973A>G, p.Asn658Ser (NM_172056.3); short protein forms N318S, N658S, N562S, N599S, N558S.
Identifiers: ClinVar variation 389141 (VCV000389141.12), dbSNP rs1057523338, ClinGen allele CA16605272.
Genomic context (GRCh38, chr7:150,951,093, plus strand): 5'-AGCATCTGTGTGTGGTAGCGGGCTGTGCCCGAGTACAGCCGCTGGATGATGGCCGACACG[T>C]TGCCGAAGATGCTAGCATACATGAGGGCTGGGGGCGTGGGCACGTGGGGCCGTCAGCCTC-3'
Protein context (NP_000229.1, residues 648-668): GSLMYASIFG[Asn658Ser]VSAIIQRLYS